The following is an entry in ClinVar:

ClinVar aggregate classification (germline): Uncertain significance. Review status: criteria provided, multiple submitters, no conflicts (2 of 4 stars). 3 submissions from 3 submitters: Uncertain significance (3). Last evaluated 2024-08-12.

Conditions:
Fanconi anemia (FA). Also called: Fanconi's anemia. Identifiers: Orphanet 84, MedGen C0015625, MeSH D005199, MONDO:0019391.

Allele frequency attached by ClinVar (database versions not stated): TOPMed 0.00001.
gnomAD v4.1: 5 of 1,614,068 alleles (0.00031%); highest among the groups gnomAD compares: Admixed American, 0.0017%; no homozygotes.

Submissions (3):

Labcorp Genetics (formerly Invitae), Labcorp
Classification: Uncertain significance for Fanconi anemia. Last evaluated: 2024-08-12. Review status: criteria provided, single submitter. Criteria: Invitae Variant Classification Sherloc (09022015). Collection method: clinical testing. Allele origin: germline.
Comment: This sequence change replaces valine, which is neutral and non-polar, with isoleucine, which is neutral and non-polar, at codon 1690 of the FANCM protein (p.Val1690Ile). This variant is present in population databases (no rsID available, gnomAD 0.0008%). This variant has not been reported in the literature in individuals affected with FANCM-related conditions. ClinVar contains an entry for this variant (Variation ID: 1022842). An algorithm developed to predict the effect of missense changes on protein structure and function outputs the following: PolyPhen-2: "Benign". The isoleucine amino acid residue is found in multiple mammalian species, which suggests that this missense change does not adversely affect protein function. In summary, the available evidence is currently insufficient to determine the role of this variant in disease. Therefore, it has been classified as a Variant of Uncertain Significance.

GeneDx
Classification: Uncertain significance. Last evaluated: 2023-11-20. Review status: criteria provided, single submitter. Criteria: GeneDx Variant Classification Process June 2021. Collection method: clinical testing. Allele origin: germline. Affected: yes.
Comment: Not observed at significant frequency in large population cohorts (gnomAD); In silico analysis supports that this missense variant does not alter protein structure/function; Has not been previously published as pathogenic or benign to our knowledge

Genetic Services Laboratory, University of Chicago
Classification: Uncertain significance. Last evaluated: 2021-12-07. Review status: criteria provided, single submitter. Criteria: ACMG Guidelines, 2015. Collection method: clinical testing. Allele origin: germline. Affected: no.
Comment: This sequence change does not appear to have been previously described in individuals with FANCM-related disorders. This sequence change has been described in the gnomAD database in two heterozygous individual which corresponds to a population frequency of 0.00071%(dbSNP rs752352756). The p.Val1690Ile change affects a poorly conserved amino acid residue located in a domain of the FANCM protein that is not known to be functional. The p.Val1690Ile substitution appears to be benign using several in-silico pathogenicity prediction tools (SIFT, PolyPhen2, Align GVGD, REVEL). Due to insufficient evidence and the lack of functional studies, the clinical significance of the p.Val1690Ile change remains unknown at this time.

NM_020937.4(FANCM):c.5068G>A (p.Val1690Ile)

Gene: FANCM (FA complementation group M; plus strand). Cytogenetic location: 14q21.2.
Variant type: single nucleotide variant.
Coding change: c.5068G>A on transcript NM_020937.4 (MANE Select); coding-DNA position 5068, G replaced by A.
Protein change: p.Val1690Ile; replaces valine 1690 with isoleucine.
Molecular consequence: missense variant.
Genome position (GRCh38, 1-based): chr14:45,189,090, G>A. VCF-style: chr14-45189090-G-A. GRCh37 (hg19) VCF-style: chr14-45658293-G-A.
Other names: c.4990G>A, p.Val1664Ile (NM_001308133.2); short protein forms V1664I, V1690I.
Identifiers: ClinVar variation 1022842 (VCV001022842.16), dbSNP rs752352756, ClinGen allele CA389612241.
Genomic context (GRCh38, chr14:45,189,090, plus strand): 5'-CCAGATGATTCAAGTGAGGAGGAGAACAATGTAAATGATAAAAGAGAATCTAATATTGCG[G>A]TTAACCCAAGCACTGTTAAGAAGAACAAACAACAGGACCATTGTTTAAATTCAGTGCCTT-3'
Protein context (NP_065988.1, residues 1680-1700): VNDKRESNIA[Val1690Ile]NPSTVKKNKQ